The following is an entry in ClinVar:

NM_000093.5(COL5A1):c.4122+1_4122+42dup

Gene: COL5A1 (collagen type V alpha 1 chain; plus strand). Cytogenetic location: 9q34.3.
Variant type: Duplication.
Coding change: c.4122+1_4122+42dup on transcript NM_000093.5 (MANE Select); the canonical splice donor site of the intron after coding-DNA position 4122 through 42 bases into the intron after coding-DNA position 4122, 42 bases duplicated.
Molecular consequence: splice donor variant.
Genome position (GRCh38, 1-based): chr9:134,815,989-134,816,030, 42 bases duplicated; duplicating any 42 consecutive bases within chr9:134,815,988-134,816,030 gives the same sequence; the c. name uses the placement nearest the transcript's 3' end. GRCh37 (hg19): chr9:137,707,835-137,707,876.
Other names: c.4122+1_4122+42dup (NM_001278074.1).
Identifiers: ClinVar variation 1058805 (VCV001058805.10), dbSNP rs2132856269, ClinGen allele CA2499219764.
Genomic context (GRCh38, chr9:134,815,987, plus strand): 5'-CTCCATAGGGTCAAGATGGTCCCCCTGGTGACAAAGGAGATGATGGTGAACCCGGGCAGA[C>CGGTGAGTCCACAATCTGGGCTGGCTTCCTGGTGGAGGTGTCA]GGTGAGTCCACAATCTGGGCTGGCTTCCTGGTGGAGGTGTCAGTGTATTCTTGGGACCTT-3'

ClinVar aggregate classification (germline): Uncertain significance (1 of 4 stars; one submission).

Conditions:
Ehlers-Danlos syndrome, classic type, 1 (EDSCL1). Also called: EHLERS-DANLOS SYNDROME, GRAVIS TYPE; EHLERS-DANLOS SYNDROME, SEVERE CLASSIC TYPE; EDS I; Ehlers-Danlos Syndrome, Classic Type, COL5A1-Related; Ehlers-Danlos syndrome, type 1. Identifiers: MedGen C0268335, MONDO:0019567, OMIM 130000.

Submission:

Labcorp Genetics (formerly Invitae), Labcorp
Classification: Uncertain significance for Ehlers-Danlos syndrome, classic type, 1. Last evaluated: 2020-10-09. Review status: criteria provided, single submitter. Criteria: Invitae Variant Classification Sherloc (09022015). Collection method: clinical testing. Allele origin: germline.
Comment: In summary, the available evidence is currently insufficient to determine the role of this variant in disease. Therefore, it has been classified as a Variant of Uncertain Significance. Algorithms developed to predict the effect of sequence changes on RNA splicing suggest that this variant may create or strengthen a splice site, but this prediction has not been confirmed by published transcriptional studies. This variant has not been reported in the literature in individuals with COL5A1-related conditions. This variant is not present in population databases (ExAC no frequency). This sequence change falls in intron 52 of the COL5A1 gene. It does not directly change the encoded amino acid sequence of the COL5A1 protein.